The following is an entry in ClinVar:

NM_001365536.1(SCN9A):c.5324G>A (p.Ser1775Asn)

Genes: SCN9A (sodium voltage-gated channel alpha subunit 9; minus strand), SCN1A-AS1 (SCN1A and SCN9A antisense RNA 1; plus strand). Cytogenetic location: 2q24.3.
Variant type: single nucleotide variant.
Coding change: c.5324G>A on transcript NM_001365536.1 (MANE Select); coding-DNA position 5324, G replaced by A.
Protein change: p.Ser1775Asn; replaces serine 1775 with asparagine.
Molecular consequence: missense variant.
Genome position (GRCh38, 1-based): chr2:166,199,315, C>T on the plus strand (G>A on the coding strand, the complement: SCN9A is on the minus strand). VCF-style: chr2-166199315-C-T. GRCh37 (hg19) VCF-style: chr2-167055825-C-T.
Other names: c.5291G>A, p.Ser1764Asn (NM_002977.4); short protein forms S1764N, S1775N.
Identifiers: ClinVar variation 1518977 (VCV001518977.8), dbSNP rs1255143930, ClinGen allele CA349053581.

ClinVar aggregate classification (germline): Uncertain significance (1 of 4 stars; one submission).

Conditions:
Neuropathy, hereditary sensory and autonomic, type 2A (HSAN2A). Also called: HSAN IIA; WNK1-Related HSAN2 (HSAN2A); MORVAN DISEASE; NEUROPATHY, CONGENITAL SENSORY; NEUROPATHY, HEREDITARY SENSORY RADICULAR, AUTOSOMAL RECESSIVE; NEUROPATHY, HEREDITARY SENSORY, TYPE IIA. Identifiers: Orphanet 970, MedGen C2752089, MONDO:0024309, OMIM 201300.
Generalized epilepsy with febrile seizures plus, type 7 (GEFSP7). Also called: GEFS+, TYPE 7. Identifiers: Orphanet 36387, MedGen C2751778, MONDO:0013470, OMIM 613863.

gnomAD v4.1: 1 of 1,614,098 alleles (0.000062%); no homozygotes.

Submission:

Labcorp Genetics (formerly Invitae), Labcorp
Classification: Uncertain significance for Neuropathy, hereditary sensory and autonomic, type 2A; Generalized epilepsy with febrile seizures plus, type 7. Last evaluated: 2022-10-03. Review status: criteria provided, single submitter. Criteria: Invitae Variant Classification Sherloc (09022015). Collection method: clinical testing. Allele origin: germline.
Comment: Advanced modeling of protein sequence and biophysical properties (such as structural, functional, and spatial information, amino acid conservation, physicochemical variation, residue mobility, and thermodynamic stability) has been performed at Invitae for this missense variant, however the output from this modeling did not meet the statistical confidence thresholds required to predict the impact of this variant on SCN9A protein function. ClinVar contains an entry for this variant (Variation ID: 1518977). This variant has not been reported in the literature in individuals affected with SCN9A-related conditions. This variant is not present in population databases (gnomAD no frequency). This sequence change replaces serine, which is neutral and polar, with asparagine, which is neutral and polar, at codon 1764 of the SCN9A protein (p.Ser1764Asn). In summary, the available evidence is currently insufficient to determine the role of this variant in disease. Therefore, it has been classified as a Variant of Uncertain Significance.